The following is an entry in ClinVar:

NM_000302.4(PLOD1):c.254T>C (p.Leu85Pro)

Gene: PLOD1 (procollagen-lysine,2-oxoglutarate 5-dioxygenase 1; plus strand). Cytogenetic location: 1p36.22.
Variant type: single nucleotide variant.
Coding change: c.254T>C on transcript NM_000302.4 (MANE Select); coding-DNA position 254, T replaced by C.
Protein change: p.Leu85Pro; replaces leucine 85 with proline.
Molecular consequence: missense variant.
Genome position (GRCh38, 1-based): chr1:11,949,858, T>C. VCF-style: chr1-11949858-T-C. GRCh37 (hg19) VCF-style: chr1-12009915-T-C.
Other names: c.395T>C, p.Leu132Pro (NM_001316320.2); short protein forms L132P, L85P.
Identifiers: ClinVar variation 2733828 (VCV002733828.3), dbSNP rs1645686564, ClinGen allele CA338426339.
Genomic context (GRCh38, chr1:11,949,858, plus strand): 5'-ATGTGGAGAAGGGGACGTCGGCAGGTGGAGGGCAGAAGGTCCGGCTGCTGAAGAAAGCTC[T>C]GGAGAAGCACGCAGACAAGGAGGATCTGGTCATTCTCTTCGCAGACAGGTAGGTGGGTCA-3'
Protein context (NP_000293.2, residues 75-95): GQKVRLLKKA[Leu85Pro]EKHADKEDLV

ClinVar aggregate classification (germline): Likely pathogenic (1 of 4 stars; one submission).

Conditions:
Ehlers-Danlos syndrome, kyphoscoliotic type 1 (EDSKSCL1). Also called: EHLERS-DANLOS SYNDROME, TYPE VIA; PLOD1-Related Kyphoscoliotic Ehlers-Danlos Syndrome; Ehlers-Danlos syndrome, hydroxylysine-deficient; EHLERS-DANLOS SYNDROME, OCULAR-SCOLIOTIC TYPE. Identifiers: Orphanet 1900, MedGen C0268342, MONDO:0016002, OMIM 225400. Disease mechanism: loss of function.

Allele frequency attached by ClinVar (database versions not stated): gnomAD exomes below 0.00001; TOPMed below 0.00001.
gnomAD v4.1: 2 of 1,614,138 alleles (0.00012%); highest among the groups gnomAD compares: Non-Finnish European, 0.00017%; no homozygotes.

Submission:

Labcorp Genetics (formerly Invitae), Labcorp
Classification: Likely pathogenic for Ehlers-Danlos syndrome, kyphoscoliotic type 1. Last evaluated: 2023-02-28. Review status: criteria provided, single submitter. Criteria: Invitae Variant Classification Sherloc (09022015). Collection method: clinical testing. Allele origin: germline.
Comment: This missense change has been observed in individual(s) with Ehlers-Danlos syndrome (PMID: 21699693). This variant is not present in population databases (gnomAD no frequency). This sequence change replaces leucine, which is neutral and non-polar, with proline, which is neutral and non-polar, at codon 85 of the PLOD1 protein (p.Leu85Pro). Advanced modeling of protein sequence and biophysical properties (such as structural, functional, and spatial information, amino acid conservation, physicochemical variation, residue mobility, and thermodynamic stability) performed at Invitae indicates that this missense variant is expected to disrupt PLOD1 protein function. In summary, the currently available evidence indicates that the variant is pathogenic, but additional data are needed to prove that conclusively. Therefore, this variant has been classified as Likely Pathogenic.

Literature cited by the submitters: PubMed 21699693.